The following is an entry in ClinVar:

NM_004360.5(CDH1):c.1811A>T (p.Glu604Val)

Gene: CDH1 (cadherin 1; plus strand). Cytogenetic location: 16q22.1.
Variant type: single nucleotide variant.
Coding change: c.1811A>T on transcript NM_004360.5 (MANE Select); coding-DNA position 1811, A replaced by T.
Protein change: p.Glu604Val; replaces glutamic acid 604 with valine.
Molecular consequence: missense variant. On other transcripts: 5 prime UTR variant (1).
Genome position (GRCh38, 1-based): chr16:68,822,100, A>T. VCF-style: chr16-68822100-A-T. GRCh37 (hg19) VCF-style: chr16-68856003-A-T.
Other names: c.1628A>T, p.Glu543Val (NM_001317184.2); c.263A>T, p.Glu88Val (NM_001317185.2); c.-155A>T (NM_001317186.2); short protein forms E604V, E88V, E543V.
Identifiers: ClinVar variation 3488685 (VCV003488685.1).
Genomic context (GRCh38, chr16:68,822,100, plus strand): 5'-TCCTGTCTGATGTGAATGACAACGCCCCCATACCAGAACCTCGAACTATATTCTTCTGTG[A>T]GAGGAATCCAAAGCCTCAGGTCATAAACATCATTGATGCAGACCTTCCTCCCAATACATC-3'
Protein context (NP_004351.1, residues 594-614): IPEPRTIFFC[Glu604Val]RNPKPQVINI

ClinVar aggregate classification (germline): Uncertain significance (1 of 4 stars; one submission).

Conditions:
Hereditary cancer-predisposing syndrome. Also called: Tumor predisposition; Neoplastic Syndromes, Hereditary; Hereditary Cancer Syndrome; Hereditary neoplastic syndrome. Identifiers: Orphanet 140162, MedGen C0027672, MeSH D009386, MONDO:0015356.

Submission:

Ambry Genetics
Classification: Uncertain significance for Hereditary cancer-predisposing syndrome. Last evaluated: 2024-11-28. Review status: criteria provided, single submitter. Criteria: Ambry Variant Classification Scheme 2023. Collection method: clinical testing. Allele origin: germline.
Comment: The p.E604V variant (also known as c.1811A>T), located in coding exon 12 of the CDH1 gene, results from an A to T substitution at nucleotide position 1811. The glutamic acid at codon 604 is replaced by valine, an amino acid with dissimilar properties. This amino acid position is conserved. In addition, this alteration is predicted to be tolerated by in silico analysis. Based on the available evidence, the clinical significance of this variant remains unclear.